The following is an entry in ClinVar:

ClinVar aggregate classification (germline): Uncertain significance (1 of 4 stars; one submission).

Conditions:
Tuberous sclerosis 1 (TSC1). Identifiers: Orphanet 805, MedGen C1854465, MONDO:0008612, OMIM 191100.

Submission:

Labcorp Genetics (formerly Invitae), Labcorp
Classification: Uncertain significance for Tuberous sclerosis 1. Last evaluated: 2023-05-04. Review status: criteria provided, single submitter. Criteria: Invitae Variant Classification Sherloc (09022015). Collection method: clinical testing. Allele origin: germline.
Comment: This variant has not been reported in the literature in individuals affected with TSC1-related conditions. Information on the frequency of this variant in the gnomAD database is not available, as this variant may be reported differently in the database. This sequence change replaces glutamine, which is neutral and polar, with leucine, which is neutral and non-polar, at codon 833 of the TSC1 protein (p.Gln833Leu). ClinVar contains an entry for this variant (Variation ID: 1420282). In summary, the available evidence is currently insufficient to determine the role of this variant in disease. Therefore, it has been classified as a Variant of Uncertain Significance. An algorithm developed to predict the effect of missense changes on protein structure and function (PolyPhen-2) suggests that this variant is likely to be tolerated.

NM_000368.5(TSC1):c.2498_2499inv (p.Gln833Leu)

Gene: TSC1 (TSC complex subunit 1; minus strand). Cytogenetic location: 9q34.13.
Variant type: Inversion.
Coding change: c.2498_2499inv on transcript NM_000368.5 (MANE Select).
Protein change: p.Gln833Leu; replaces glutamine 833 with leucine.
Molecular consequence: missense variant.
Genome position: GRCh38 VCF-style: chr9-132901592-TT-AA. GRCh37 (hg19) VCF-style: chr9-135776979-TT-AA.
Other names: c.2495_2496inv, p.Gln832Leu (NM_001162426.2); c.2345_2346inv, p.Gln782Leu (NM_001162427.2); c.2135_2136inv, p.Gln712Leu (NM_001362177.2); short protein forms Q712L, Q833L, Q782L, Q832L.
Identifiers: ClinVar variation 1420282 (VCV001420282.5), ClinGen allele CA2573144209.
Genomic context (GRCh38, chr9:132,901,592, plus strand): 5'-GAAGAATGTTAGCAAATGGTGTTTCAGCAGATTCAGGTCTGCCTCATTTCTTCTTACCTT[TT>AA]GGGAAACCTGACTGAGCAGCAGCTCAGTGTGACACACCTTGTTGTTGGCCTTCTTCAGTT-3'
Protein context (NP_000359.1, residues 823-843): HTELLLSQVS[Gln833Leu]KLSNSESVQQ